The following is an entry in ClinVar:

NM_007124.3(UTRN):c.863C>T (p.Ala288Val)

Gene: UTRN (utrophin; plus strand). Cytogenetic location: 6q24.2.
Variant type: single nucleotide variant.
Coding change: c.863C>T on transcript NM_007124.3 (MANE Select); coding-DNA position 863, C replaced by T.
Protein change: p.Ala288Val; replaces alanine 288 with valine.
Molecular consequence: missense variant.
Genome position (GRCh38, 1-based): chr6:144,435,942, C>T. VCF-style: chr6-144435942-C-T. GRCh37 (hg19) VCF-style: chr6-144757078-C-T.
Other names: short protein forms A288V.
Identifiers: ClinVar variation 4603371 (VCV004603371.1).
Genomic context (GRCh38, chr6:144,435,942, plus strand): 5'-ACACCTCTTGCTTTGATGATTAGTGTGGGTTTTTCTTGGCTTTGTTTTTACAGAGTACAG[C>T]GCCTGAGGAGGAGCATGAGAGTCCCCGAGCTGAAACTCCCAGCACTGTCACTGAGGTTGA-3'
Protein context (NP_009055.2, residues 278-298): EEEAINIQST[Ala288Val]PEEEHESPRA

ClinVar aggregate classification (germline): Uncertain significance (1 of 4 stars; one submission).

gnomAD v4.1: 29 of 1,613,596 alleles (0.0018%); highest among the groups gnomAD compares: African/African-American, 0.0027%; no homozygotes.

Submission:

Ambry Genetics
Classification: Uncertain significance. Last evaluated: 2025-11-11. Review status: criteria provided, single submitter. Criteria: Ambry Variant Classification Scheme 2023. Collection method: clinical testing. Allele origin: germline.
Comment: The c.863C>T (p.A288V) alteration is located in exon 9 (coding exon 9) of the UTRN gene. This alteration results from a C to T substitution at nucleotide position 863, causing the alanine (A) at amino acid position 288 to be replaced by a valine (V). Based on data from gnomAD, the T allele has an overall frequency of 0.005% (12/251282) total alleles studied. The highest observed frequency was 0.01% (1/10072) of Ashkenazi Jewish alleles. Based on insufficient or conflicting evidence, the clinical significance of this alteration remains unclear.